The following is an entry in ClinVar:

NM_012062.5(DNM1L):c.1432G>C (p.Val478Leu)

Gene: DNM1L (dynamin 1 like; plus strand). Cytogenetic location: 12p11.21.
Variant type: single nucleotide variant.
Coding change: c.1432G>C on transcript NM_012062.5 (MANE Select); coding-DNA position 1432, G replaced by C.
Protein change: p.Val478Leu; replaces valine 478 with leucine.
Molecular consequence: missense variant.
Genome position (GRCh38, 1-based): chr12:32,731,929, G>C. VCF-style: chr12-32731929-G-C. GRCh37 (hg19) VCF-style: chr12-32884863-G-C.
Other names: c.1432G>C, p.Val478Leu (NM_001278463.2, NM_005690.5, NM_012063.4); c.1471G>C, p.Val491Leu (NM_001278464.2, NM_001278465.2, NM_001330380.2); c.823G>C, p.Val275Leu (NM_001278466.2); short protein forms V275L, V478L, V491L.
Identifiers: ClinVar variation 1408207 (VCV001408207.6), dbSNP rs781743377, ClinGen allele CA6507543.

ClinVar aggregate classification (germline): Uncertain significance (1 of 4 stars; one submission).

Allele frequency attached by ClinVar (database versions not stated): gnomAD exomes below 0.00001 and 0.00001; ExAC 0.00002; gnomAD 0.00004; TOPMed 0.00004.
gnomAD v4.1: 7 of 1,612,604 alleles (0.00043%); highest among the groups gnomAD compares: African/African-American, 0.0093%; no homozygotes.

Submission:

Labcorp Genetics (formerly Invitae), Labcorp
Classification: Uncertain significance. Last evaluated: 2022-07-26. Review status: criteria provided, single submitter. Criteria: Invitae Variant Classification Sherloc (09022015). Collection method: clinical testing. Allele origin: germline.
Comment: This sequence change replaces valine, which is neutral and non-polar, with leucine, which is neutral and non-polar, at codon 478 of the DNM1L protein (p.Val478Leu). This variant is present in population databases (rs781743377, gnomAD 0.02%). This variant has not been reported in the literature in individuals affected with DNM1L-related conditions. ClinVar contains an entry for this variant (Variation ID: 1408207). Algorithms developed to predict the effect of missense changes on protein structure and function (SIFT, PolyPhen-2, Align-GVGD) all suggest that this variant is likely to be tolerated. In summary, the available evidence is currently insufficient to determine the role of this variant in disease. Therefore, it has been classified as a Variant of Uncertain Significance.